The following is an entry in ClinVar:

ClinVar aggregate classification (germline): Likely pathogenic (1 of 4 stars; one submission).

Conditions:
Intellectual developmental disorder, autosomal dominant 30, with speech delay and behavioral abnormalities. Also called: Intellectual disability, autosomal dominant 30. Identifiers: Orphanet 436151, MedGen C4015167, MONDO:0014486, OMIM 616083.

gnomAD v4.1: 1 of 1,614,194 alleles (0.000062%); no homozygotes.

Submission:

Neuberg Centre For Genomic Medicine, NCGM
Classification: Likely pathogenic for Intellectual developmental disorder, autosomal dominant 30, with speech delay and behavioral abnormalities. Review status: criteria provided, single submitter. Criteria: ACMG Guidelines, 2015. Collection method: clinical testing. Allele origin: germline. Inheritance: Autosomal dominant inheritance. Affected: yes.
Comment: The stop gained c.1366C>Tp.Gln456Ter variant in ZMYND11 gene has not been reported previously as a pathogenic variant nor a benign variant, to our knowledge. The c.1366C>T variant is novel not in any individuals in gnomAD Exomes and 1000 Genomes. This variant has not been reported to the ClinVar database. The nucleotide change c.1366C>T in ZMYND11 is predicted as conserved by GERP++ and PhyloP across 100 vertebrates. This sequence change creates a premature translational stop signal p.Gln456Ter in the ZMYND11 gene. This variant is predicted to cause loss of normal protein function through protein truncation. Loss of function variants have been previously reported to be disease causing. For these reasons, this variant has been classified as Likely Pathogenic.

NM_001370100.5(ZMYND11):c.1366C>T (p.Gln456Ter)

Genes: ZMYND11 (zinc finger MYND-type containing 11; plus strand), LOC126860802 (BRD4-independent group 4 enhancer GRCh37_chr10:294268-295467; plus strand). Cytogenetic location: 10p15.3.
Variant type: single nucleotide variant.
Coding change: c.1366C>T on transcript NM_001370100.5 (MANE Select); coding-DNA position 1366, C replaced by T.
Protein change: p.Gln456Ter; replaces glutamine 456 with a stop codon.
Molecular consequence: nonsense. On other transcripts: non-coding transcript variant (1).
Genome position (GRCh38, 1-based): chr10:248,474, C>T. VCF-style: chr10-248474-C-T. GRCh37 (hg19) VCF-style: chr10-294414-C-T.
Other names: c.1366C>T, p.Gln456Ter (NM_001161482.1, NM_001202468.1, NM_001370097.3 and 5 more transcripts); c.1204C>T, p.Gln402Ter (NM_001202464.3, NM_001202467.1, NM_001370107.2 and 6 more transcripts); c.1111C>T, p.Gln371Ter (NM_001202465.3, NM_001370110.2); c.1201C>T, p.Gln401Ter (NM_001202466.3, NM_001370111.2); c.1315C>T, p.Gln439Ter (NM_001330057.3, NM_001370112.2); c.1273C>T, p.Gln425Ter (NM_001370113.2, NM_001370114.2); c.1363C>T, p.Gln455Ter (NM_001370115.2, NM_212479.4); c.1300C>T, p.Gln434Ter (NM_001370116.2); and 8 more; short protein forms Q299*, Q337*, Q354*, Q362*, Q371*, Q380*, Q401*, Q402*.
Identifiers: ClinVar variation 3234936 (VCV003234936.1), dbSNP rs2540043491, ClinGen allele CA375822510.